The following is an entry in ClinVar:

NM_000096.4(CP):c.1348+9T>C

Gene: CP (ceruloplasmin; minus strand). Cytogenetic location: 3q25.1.
Variant type: single nucleotide variant.
Coding change: c.1348+9T>C on transcript NM_000096.4 (MANE Select); 9 bases into the intron after coding-DNA position 1348, T replaced by C.
Molecular consequence: intron variant.
Genome position (GRCh38, 1-based): chr3:149,202,093, A>G on the plus strand (T>C on the coding strand, the complement: CP is on the minus strand). VCF-style: chr3-149202093-A-G. GRCh37 (hg19) VCF-style: chr3-148919880-A-G.
Other names: p.?.
Identifiers: ClinVar variation 343770 (VCV000343770.22), dbSNP rs35272481, ClinGen allele CA2661061.

ClinVar aggregate classification (germline): Benign/Likely benign. Review status: criteria provided, multiple submitters, no conflicts (2 of 4 stars). 8 submissions from 8 submitters: Benign (3); Likely benign (3). 2 of the submissions do not count toward it. Last evaluated 2026-02-01.

Conditions:
Deficiency of ferroxidase (ACEP). Also called: Aceruloplasminemia; Ceruloplasmin deficiency; Familial apoceruloplasmin deficiency; Hereditary ceruloplasmin deficiency; Deficiency of ceruloplasmin; NEURODEGENERATION WITH BRAIN IRON ACCUMULATION 10. Identifiers: Orphanet 48818, MedGen C0878682, MONDO:0011426, OMIM 604290, HP:0025498.

Allele frequency attached by ClinVar (database versions not stated): gnomAD exomes 0.00049 and 0.00133; ExAC 0.00152; gnomAD 0.00437 and 0.00465; ESP Exome Variant Server 0.00461; TOPMed 0.00526; 1000 Genomes Project 0.00579; 1000 Genomes Project 30x 0.00656.
gnomAD v4.1: 1,419 of 1,614,028 alleles (0.088%); highest among the groups gnomAD compares: African/African-American, 1.5%; 10 homozygotes.

Submissions (8):

Labcorp Genetics (formerly Invitae), Labcorp
Classification: Benign for Deficiency of ferroxidase. Last evaluated: 2026-02-01. Review status: criteria provided, single submitter. Criteria: Invitae Variant Classification Sherloc (09022015). Collection method: clinical testing. Allele origin: germline.

Blueprint Genetics
Classification: Likely benign. Last evaluated: 2024-11-25. Review status: criteria provided, single submitter. Criteria: ACMG Guidelines, 2015. Collection method: clinical testing. Allele origin: germline.

Mayo Clinic Laboratories, Mayo Clinic
Classification: Benign. Last evaluated: 2024-06-04. Review status: criteria provided, single submitter. Criteria: ACMG Guidelines, 2015. Collection method: clinical testing. Allele origin: germline. Observed: 4 variant alleles.
Comment: BA1, BP4, BP7

GeneDx
Classification: Likely benign. Last evaluated: 2019-02-04. Review status: criteria provided, single submitter. Criteria: GeneDx Variant Classification Process June 2021. Collection method: clinical testing. Allele origin: germline. Affected: yes.

Illumina Laboratory Services, Illumina
Classification: Benign for Deficiency of ferroxidase. Last evaluated: 2018-01-12. Review status: criteria provided, single submitter. Criteria: ICSL Variant Classification Criteria 13 December 2019. Collection method: clinical testing. Allele origin: germline.
Comment: This variant was observed in the ICSL laboratory as part of a predisposition screen in an ostensibly healthy population. It had not been previously curated by ICSL or reported in the Human Gene Mutation Database (HGMD: prior to June 1st, 2018), and was therefore a candidate for classification through an automated scoring system. Utilizing variant allele frequency, disease prevalence and penetrance estimates, and inheritance mode, an automated score was calculated to assess if this variant is too frequent to cause the disease. Based on the score and internal cut-off values, a variant classified as benign is not then subjected to further curation. The score for this variant resulted in a classification of benign for this disease.

Breakthrough Genomics
Classification: Likely benign. Review status: criteria provided, single submitter. Criteria: ACMG Guidelines, 2015. Collection method: not provided. Allele origin: germline. Inheritance: Autosomal recessive inheritance. Affected: yes.

Clinical Genetics DNA and cytogenetics Diagnostics Lab, Erasmus MC, Erasmus Medical Center
Classification: Benign. Review status: no assertion criteria provided. Collection method: clinical testing. Allele origin: germline. Affected: yes. Study: VKGL Data-share Consensus. Not counted in ClinVar's aggregate classification.

Genome Diagnostics Laboratory, Amsterdam University Medical Center
Classification: Likely benign. Review status: no assertion criteria provided. Collection method: clinical testing. Allele origin: germline. Affected: yes. Study: VKGL Data-share Consensus. Not counted in ClinVar's aggregate classification.